The following is an entry in ClinVar:

ClinVar aggregate classification (germline): Uncertain significance. Review status: criteria provided, single submitter (1 of 4 stars). 2 submissions from 1 submitter: Uncertain significance (2). Last evaluated 2023-04-13.

Conditions:
Inborn genetic diseases. Identifiers: MedGen C0950123, MeSH D030342.
Hereditary cancer-predisposing syndrome. Also called: Hereditary Cancer Syndrome; Hereditary neoplastic syndrome; Neoplastic Syndromes, Hereditary; Tumor predisposition. Identifiers: Orphanet 140162, MedGen C0027672, MeSH D009386, MONDO:0015356.

Allele frequency attached by ClinVar (database versions not stated): gnomAD exomes 0.00001; gnomAD 0.00003; ExAC 0.00005; TOPMed 0.00006; ESP Exome Variant Server 0.00015; 1000 Genomes Project 0.00020; 1000 Genomes Project 30x 0.00031.
gnomAD v4.1: 27 of 1,614,070 alleles (0.0017%); highest among the groups gnomAD compares: African/African-American, 0.02%; no homozygotes.

Submissions (2):

Ambry Genetics
Classification: Uncertain significance for Inborn genetic diseases. Last evaluated: 2023-04-13. Review status: criteria provided, single submitter. Criteria: Ambry General Variant Classification Scheme_2022. Collection method: clinical testing. Allele origin: germline.

Ambry Genetics
Classification: Uncertain significance for Hereditary cancer-predisposing syndrome. Last evaluated: 2022-10-02. Review status: criteria provided, single submitter. Criteria: Ambry General Variant Classification Scheme_2022. Collection method: clinical testing. Allele origin: germline. Observed: 1 variant allele.
Comment: The p.I39K variant (also known as c.116T>A), located in coding exon 1 of the PALLD gene, results from a T to A substitution at nucleotide position 116. The isoleucine at codon 39 is replaced by lysine, an amino acid with dissimilar properties. This amino acid position is conserved. In addition, the in silico prediction for this alteration is inconclusive. Since supporting evidence is limited at this time, the clinical significance of this alteration remains unclear.

NM_001166108.2(PALLD):c.116T>A (p.Ile39Lys)

Gene: PALLD (palladin, cytoskeletal associated protein; plus strand). Cytogenetic location: 4q32.3.
Variant type: single nucleotide variant.
Coding change: c.116T>A on transcript NM_001166108.2 (MANE Select); coding-DNA position 116, T replaced by A.
Protein change: p.Ile39Lys; replaces isoleucine 39 with lysine.
Molecular consequence: missense variant.
Genome position (GRCh38, 1-based): chr4:168,511,620, T>A. VCF-style: chr4-168511620-T-A. GRCh37 (hg19) VCF-style: chr4-169432771-T-A.
Other names: c.116T>A, p.Ile39Lys (NM_016081.4); c.116T>A (NM_001166108.1); short protein forms I39K.
Identifiers: ClinVar variation 1739274 (VCV001739274.2), dbSNP rs375219239, ClinGen allele CA3135295.